The following is an entry in ClinVar:

NM_018095.6(KBTBD4):c.932_934dup (p.Pro311_Arg312insPro)

Gene: KBTBD4 (kelch repeat and BTB domain containing 4; minus strand). Cytogenetic location: 11p11.2.
Variant type: Duplication.
Coding change: c.932_934dup on transcript NM_018095.6 (MANE Select); coding-DNA positions 932 to 934, 3 bases duplicated (CAC; older notation c.932_934dupCAC).
Protein change: p.Pro311_Arg312insPro.
Genome position (GRCh38, 1-based): chr11:47,573,601-47,573,603, GTG duplicated on the plus strand (CAC on the coding strand, the reverse complement: KBTBD4 is on the minus strand); duplicating any 3 consecutive bases within chr11:47,573,601-47,573,604 gives the same sequence; the c. name uses the placement nearest the transcript's 3' end. VCF-style (leftmost placement, unchanged base first): chr11-47573600-C-CGTG. GRCh37 (hg19) VCF-style: chr11-47595152-C-CGTG.
Other names: c.1031_1033dup, p.Pro344_Arg345insPro (NM_001318716.2); c.1001_1003dup, p.Pro334_Arg335insPro (NM_001318717.2); c.959_961dup, p.Pro320_Arg321insPro (NM_001318718.2, NM_001318719.2); c.953_955dup, p.Pro318_Arg319insPro (NM_001318720.2); c.884_886dup, p.Pro295_Arg296insPro (NM_001318721.2, NM_001318722.2, NM_001318723.2 and 3 more transcripts).
Identifiers: ClinVar variation 4530475 (VCV004530475.1).

ClinVar aggregate classification (somatic clinical impact): Tier I - Strong. Review status: criteria provided, single submitter (1 of 4 stars). 2 submissions from 1 submitter. Last evaluated 2025-04-08.

Conditions:
Medulloblastoma non-WNT/non-SHH group 4. Identifiers: MedGen C4330666, MONDO:0956967.
Medulloblastoma non-WNT/non-SHH group 3. Identifiers: MedGen C4330665, MONDO:0956966.

Submissions (2):

Institute for Genomic Medicine (IGM) Clinical Laboratory, Nationwide Children's Hospital
Classification: Tier I - Strong for Medulloblastoma non-WNT/non-SHH group 3. Assertion type: diagnostic. Clinical significance: supports diagnosis. Last evaluated: 2025-04-08. Review status: criteria provided, single submitter. Criteria: AMP/ASCO/CAP Guidelines, 2017. Collection method: clinical testing. Allele origin: somatic. Affected: yes.
Comment: Variant has Tier I (strong) clinical significance as a diagnostic inclusion criterion in medulloblastoma non-WNT/non-SHH group 3, based on the following evidence: 1) Diagnostic for a specific tumor type/classification based on well-powered studies with expert-level consensus (Evidence Level B; PMIDs: 35489737, 28726821, 33172502).

Institute for Genomic Medicine (IGM) Clinical Laboratory, Nationwide Children's Hospital
Classification: Tier I - Strong for Medulloblastoma non-WNT/non-SHH group 4. Assertion type: diagnostic. Clinical significance: supports diagnosis. Last evaluated: 2025-02-03. Review status: criteria provided, single submitter. Criteria: AMP/ASCO/CAP Guidelines, 2017. Collection method: clinical testing. Allele origin: somatic. Affected: yes.
Comment: Variant has Tier I (strong) clinical significance as a diagnostic inclusion criterion in medulloblastoma non-WNT/non-SHH group 4, based on the following evidence: 1) Appears in one or more well-established professional guidelines (e.g., World Health Organization [WHO]; National Comprehensive Cancer Network [NCCN]) as providing diagnostic, prognostic, or therapeutic information. 2) Information in the literature supports potential biologic effect of variant (PMID: 35379950). 3) Diagnostic for a specific tumor type/classification based on well-powered studies with expert-level consensus (Evidence Level B; PMIDs: 35489737, 28726821, 33172502).

Literature cited by the submitters: PubMed 35489737; PubMed 28726821; PubMed 33172502; PubMed 35379950.